The following is an entry in ClinVar:

ClinVar aggregate classification (germline): Uncertain significance. Review status: criteria provided, multiple submitters, no conflicts (2 of 4 stars). 2 submissions from 2 submitters: Uncertain significance (2). Last evaluated 2024-06-21.

Conditions:
Ehlers-Danlos syndrome (EDS). Identifiers: Orphanet 98249, MedGen C0013720, MONDO:0020066.
Familial thoracic aortic aneurysm and aortic dissection (TAAD). Also called: Thoracic aortic aneurysms and dissections. Identifiers: Orphanet 91387, MedGen C4707243, MONDO:0019625.

Submissions (2):

Ambry Genetics
Classification: Uncertain significance for Familial thoracic aortic aneurysm and aortic dissection. Last evaluated: 2024-06-21. Review status: criteria provided, single submitter. Criteria: Ambry Variant Classification Scheme 2023. Collection method: clinical testing. Allele origin: germline.
Comment: The p.L17Q variant (also known as c.50T>A), located in coding exon 1 of the TGFBR1 gene, results from a T to A substitution at nucleotide position 50. The leucine at codon 17 is replaced by glutamine, an amino acid with dissimilar properties. This amino acid position is conserved. In addition, this alteration is predicted to be tolerated by in silico analysis. Based on the available evidence, the clinical significance of this variant remains unclear.

Genome Diagnostics Laboratory, The Hospital for Sick Children
Classification: Uncertain significance for Ehlers-Danlos syndrome. Last evaluated: 2020-02-01. Review status: criteria provided, single submitter. Criteria: ACMG Guidelines, 2015. Collection method: clinical testing. Allele origin: germline.

NM_004612.4(TGFBR1):c.50T>A (p.Leu17Gln)

Gene: TGFBR1 (transforming growth factor beta receptor 1; plus strand). Cytogenetic location: 9q22.33.
Variant type: single nucleotide variant.
Coding change: c.50T>A on transcript NM_004612.4 (MANE Select); coding-DNA position 50, T replaced by A.
Protein change: p.Leu17Gln; replaces leucine 17 with glutamine.
Molecular consequence: missense variant.
Genome position (GRCh38, 1-based): chr9:99,105,255, T>A. VCF-style: chr9-99105255-T-A. GRCh37 (hg19) VCF-style: chr9-101867537-T-A.
Other names: c.50T>A, p.Leu17Gln (NM_001130916.3, NM_001306210.2); c.50T>A (NM_004612.2); short protein forms L17Q.
Identifiers: ClinVar variation 1702290 (VCV001702290.4), dbSNP rs2118164469, ClinGen allele CA374223588.